The following is an entry in ClinVar:

ClinVar aggregate classification (germline): Uncertain significance. Review status: criteria provided, multiple submitters, no conflicts (2 of 4 stars). 2 submissions from 2 submitters: Uncertain significance (2). Last evaluated 2022-07-13.

Conditions:
Inborn genetic diseases. Identifiers: MedGen C0950123, MeSH D030342.

Allele frequency attached by ClinVar (database versions not stated): ExAC 0.00001; gnomAD exomes 0.00001; gnomAD 0.00006; TOPMed 0.00012; 1000 Genomes Project 0.00020; 1000 Genomes Project 30x 0.00031.
gnomAD v4.1: 17 of 1,614,110 alleles (0.0011%); highest among the groups gnomAD compares: African/African-American, 0.02%; no homozygotes.

Submissions (2):

Labcorp Genetics (formerly Invitae), Labcorp
Classification: Uncertain significance. Last evaluated: 2022-07-13. Review status: criteria provided, single submitter. Criteria: Invitae Variant Classification Sherloc (09022015). Collection method: clinical testing. Allele origin: germline.
Comment: In summary, the available evidence is currently insufficient to determine the role of this variant in disease. Therefore, it has been classified as a Variant of Uncertain Significance. This sequence change replaces alanine, which is neutral and non-polar, with serine, which is neutral and polar, at codon 236 of the SPART protein (p.Ala236Ser). This variant is present in population databases (rs548459670, gnomAD 0.02%). This variant has not been reported in the literature in individuals affected with SPART-related conditions. Algorithms developed to predict the effect of missense changes on protein structure and function (SIFT, PolyPhen-2, Align-GVGD) all suggest that this variant is likely to be tolerated.

Ambry Genetics
Classification: Uncertain significance for Inborn genetic diseases. Last evaluated: 2021-07-14. Review status: criteria provided, single submitter. Criteria: Ambry Variant Classification Scheme 2023. Collection method: clinical testing. Allele origin: germline.

NM_015087.5(SPART):c.706G>T (p.Ala236Ser)

Gene: SPART (spartin; minus strand). Cytogenetic location: 13q13.3.
Variant type: single nucleotide variant.
Coding change: c.706G>T on transcript NM_015087.5 (MANE Select); coding-DNA position 706, G replaced by T.
Protein change: p.Ala236Ser; replaces alanine 236 with serine.
Molecular consequence: missense variant.
Genome position (GRCh38, 1-based): chr13:36,335,125, C>A on the plus strand (G>T on the coding strand, the complement: SPART is on the minus strand). VCF-style: chr13-36335125-C-A. GRCh37 (hg19) VCF-style: chr13-36909262-C-A.
Other names: c.706G>T, p.Ala236Ser (NM_001142294.2, NM_001142295.2, NM_001142296.2); c.706G>T (NM_015087.4); short protein forms A236S.
Identifiers: ClinVar variation 2045326 (VCV002045326.4), dbSNP rs548459670, ClinGen allele CA6949593.